The following is an entry in ClinVar:

ClinVar aggregate classification (germline): Benign/Likely benign. Review status: criteria provided, multiple submitters, no conflicts (2 of 4 stars). 3 submissions from 3 submitters: Benign (1); Likely benign (2). Last evaluated 2026-05-04.

Conditions:
Colorectal cancer, hereditary nonpolyposis, type 7. Identifiers: Orphanet 144, MedGen C1858380, MONDO:0013725, OMIM 614385.

Allele frequency attached by ClinVar (database versions not stated): ESP Exome Variant Server 0.00008.
gnomAD v4.1: 10 of 1,613,862 alleles (0.00062%); highest among the groups gnomAD compares: Admixed American, 0.0017%; no homozygotes.

Submissions (3):

Myriad Genetics, Inc.
Classification: Benign for Colorectal cancer, hereditary nonpolyposis, type 7. Last evaluated: 2026-05-04. Review status: criteria provided, single submitter. Criteria: Myriad Autosomal Dominant, Autosomal Recessive and X-Linked Classification Criteria (2023). Collection method: clinical testing. Allele origin: unknown.
Comment: This variant is considered benign. This variant is a silent/synonymous amino acid change and it is not expected to impact splicing.

Labcorp Genetics (formerly Invitae), Labcorp
Classification: Likely benign for Colorectal cancer, hereditary nonpolyposis, type 7. Last evaluated: 2024-10-14. Review status: criteria provided, single submitter. Criteria: Invitae Variant Classification Sherloc (09022015). Collection method: clinical testing. Allele origin: germline.

Ambry Genetics
Classification: Likely benign. Last evaluated: 2021-11-17. Review status: criteria provided, single submitter. Criteria: Ambry Variant Classification Scheme 2023. Collection method: clinical testing. Allele origin: germline.

NM_001040108.2(MLH3):c.1983T>G (p.Thr661=)

Gene: MLH3 (mutL homolog 3; minus strand). Cytogenetic location: 14q24.3.
Variant type: single nucleotide variant.
Coding change: c.1983T>G on transcript NM_001040108.2 (MANE Select); coding-DNA position 1983, T replaced by G.
Protein change: p.Thr661=; no amino-acid change (threonine 661 retained).
Molecular consequence: synonymous variant.
Genome position (GRCh38, 1-based): chr14:75,047,673, A>C on the plus strand (T>G on the coding strand, the complement: MLH3 is on the minus strand). VCF-style: chr14-75047673-A-C. GRCh37 (hg19) VCF-style: chr14-75514376-A-C.
Other names: c.1983T>G, p.Thr661= (NM_014381.3).
Identifiers: ClinVar variation 1611315 (VCV001611315.11), dbSNP rs376024613, ClinGen allele CA263652654.